The following is an entry in ClinVar:

ClinVar aggregate classification (germline): Conflicting classifications of pathogenicity. Review status: criteria provided, conflicting classifications (1 of 4 stars). 2 submissions from 2 submitters: Likely pathogenic (1); Uncertain significance (1). Last evaluated 2026-06-24.

Conditions:
Hereditary cancer-predisposing syndrome. Also called: Hereditary neoplastic syndrome; Neoplastic Syndromes, Hereditary; Tumor predisposition; Hereditary Cancer Syndrome. Identifiers: Orphanet 140162, MedGen C0027672, MeSH D009386, MONDO:0015356.
Cardiovascular phenotype. Identifiers: MedGen CN230736.

gnomAD v4.1: 4 of 1,605,638 alleles (0.00025%); highest among the groups gnomAD compares: Admixed American, 0.0017%; no homozygotes.

Submissions (2):

Ambry Genetics
Classification: Likely pathogenic for Cardiovascular phenotype; Hereditary cancer-predisposing syndrome. Last evaluated: 2026-06-24. Review status: criteria provided, single submitter. Criteria: Ambry Variant Classification Scheme 2023. Collection method: clinical testing. Allele origin: germline.
Comment: The p.G648S variant (also known as c.1942G>A), located in coding exon 16 of the LZTR1 gene, results from a G to A substitution at nucleotide position 1942. The amino acid change results in glycine to serine at codon 648, an amino acid with similar properties. However, this change occurs in the last base pair of coding exon 16, which makes it likely to have some effect on normal mRNA splicing. This nucleotide position is highly conserved in available vertebrate species. This amino acid position is highly conserved in available vertebrate species. As a missense substitution this is predicted to be tolerated by in silico analysis. In addition, In silico splice site analysis predicts that this alteration will not have any significant effect on splicing. RNA studies have demonstrated that this variant results in abnormal splicing (Ambry internal data). Other variant(s) impacting the same donor site (c.1942+1G>C) have been shown to have a similar impact on splicing in individual(s) with features consistent with schwannomatosis (Ambry internal data). Loss-of-function variants in LZTR1 are related to an increased risk for schwannomas and autosomal recessive Noonan syndrome; however, such associations with autosomal dominant Noonan syndrome have not been observed (Piotrowski A et al. Nat Genet. 2014 Feb;46:182-7; Yamamoto GL et al. J Med Genet. 2015 Jun;52:413-21; Johnston JJ et al. Genet Med. 2018 10;20:1175-1185). Based on the supporting evidence, this variant is likely pathogenic for an increased risk of LZTR1-related schwannomatosis (SWN) and would be expected to cause autosomal recessive Noonan syndrome when present along with a second pathogenic or likely pathogenic variant on the other allele; however, the association of this variant with autosomal dominant Noonan syndrome is unlikely.

Dasa
Classification: Uncertain significance. Last evaluated: 2025-06-05. Review status: criteria provided, single submitter. Criteria: DASA Assertion Criteria. Collection method: clinical testing. Allele origin: germline.
Comment: NM_006767.4(LZTR1):c.1942G>A (p.Gly648Ser) is a missense variant that results in the substitution of glycine with serine. This variant is rare in population databases. Computational prediction algorithms are consistent with a benign effect. The currently available literature and clinical evidence are not sufficient to establish a definitive association between this variant and the reported condition. Therefore, this variant is classified as a variant of uncertain significance.

NM_006767.4(LZTR1):c.1942G>A (p.Gly648Ser)

Gene: LZTR1 (leucine zipper like post translational regulator 1; plus strand). Cytogenetic location: 22q11.21.
Variant type: single nucleotide variant.
Coding change: c.1942G>A on transcript NM_006767.4 (MANE Select); coding-DNA position 1942, G replaced by A.
Protein change: p.Gly648Ser; replaces glycine 648 with serine.
Molecular consequence: missense variant.
Genome position (GRCh38, 1-based): chr22:20,995,026, G>A. VCF-style: chr22-20995026-G-A. GRCh37 (hg19) VCF-style: chr22-21349315-G-A.
Other names: short protein forms G648S.
Identifiers: ClinVar variation 3541498 (VCV003541498.4).